The following is an entry in ClinVar:

ClinVar aggregate classification (germline): Uncertain significance. Review status: criteria provided, multiple submitters, no conflicts (2 of 4 stars). 3 submissions from 3 submitters: Uncertain significance (3). Last evaluated 2025-05-15.

Conditions:
Hereditary cancer-predisposing syndrome. Also called: Neoplastic Syndromes, Hereditary; Tumor predisposition; Hereditary Cancer Syndrome; Hereditary neoplastic syndrome. Identifiers: Orphanet 140162, MedGen C0027672, MeSH D009386, MONDO:0015356.
Gastrointestinal stromal tumor. Also called: Gastrointestinal stromal tumor, somatic; Gastrointestinal stroma tumor. Identifiers: Orphanet 44890, MedGen C0238198, MeSH D046152, MONDO:0011719, OMIM 606764, HP:0100723.

Allele frequency attached by ClinVar (database versions not stated): gnomAD exomes below 0.00001.
gnomAD v4.1: 2 of 1,613,636 alleles (0.00012%); highest among the groups gnomAD compares: Non-Finnish European, 0.00017%; no homozygotes.

Submissions (3):

Ambry Genetics
Classification: Uncertain significance for Hereditary cancer-predisposing syndrome. Last evaluated: 2025-05-15. Review status: criteria provided, single submitter. Criteria: Ambry Variant Classification Scheme 2023. Collection method: clinical testing. Allele origin: germline.
Comment: The p.E767K variant (also known as c.2299G>A), located in coding exon 16 of the KIT gene, results from a G to A substitution at nucleotide position 2299. The glutamic acid at codon 767 is replaced by lysine, an amino acid with similar properties. This amino acid position is highly conserved in available vertebrate species. In addition, the in silico prediction for this alteration is inconclusive. Since supporting evidence is limited at this time, the clinical significance of this alteration remains unclear.

Labcorp Genetics (formerly Invitae), Labcorp
Classification: Uncertain significance for Gastrointestinal stromal tumor. Last evaluated: 2024-07-26. Review status: criteria provided, single submitter. Criteria: Invitae Variant Classification Sherloc (09022015). Collection method: clinical testing. Allele origin: germline.
Comment: This sequence change replaces glutamic acid, which is acidic and polar, with lysine, which is basic and polar, at codon 767 of the KIT protein (p.Glu767Lys). This variant is not present in population databases (gnomAD no frequency). This variant has not been reported in the literature in individuals affected with KIT-related conditions. ClinVar contains an entry for this variant (Variation ID: 1789212). An algorithm developed to predict the effect of missense changes on protein structure and function (PolyPhen-2) suggests that this variant is likely to be disruptive. In summary, the available evidence is currently insufficient to determine the role of this variant in disease. Therefore, it has been classified as a Variant of Uncertain Significance.

GeneDx
Classification: Uncertain significance. Last evaluated: 2023-06-27. Review status: criteria provided, single submitter. Criteria: GeneDx Variant Classification Process June 2021. Collection method: clinical testing. Allele origin: germline. Affected: yes.
Comment: Not observed at significant frequency in large population cohorts (gnomAD); In silico analysis supports that this missense variant has a deleterious effect on protein structure/function; Has not been previously published as pathogenic or benign to our knowledge

NM_000222.3(KIT):c.2299G>A (p.Glu767Lys)

Gene: KIT (KIT proto-oncogene, receptor tyrosine kinase; plus strand). Cytogenetic location: 4q12.
Variant type: single nucleotide variant.
Coding change: c.2299G>A on transcript NM_000222.3 (MANE Select); coding-DNA position 2299, G replaced by A.
Protein change: p.Glu767Lys; replaces glutamic acid 767 with lysine.
Molecular consequence: missense variant.
Genome position (GRCh38, 1-based): chr4:54,731,936, G>A. VCF-style: chr4-54731936-G-A. GRCh37 (hg19) VCF-style: chr4-55598102-G-A.
Other names: c.2287G>A, p.Glu763Lys (NM_001093772.2, NM_001385292.1); c.2302G>A, p.Glu768Lys (NM_001385284.1); c.2296G>A, p.Glu766Lys (NM_001385285.1); c.2284G>A, p.Glu762Lys (NM_001385286.1); c.2290G>A, p.Glu764Lys (NM_001385288.1); c.2299G>A, p.Glu767Lys (NM_001385290.1); short protein forms E764K, E766K, E768K, E762K, E767K, E763K.
Identifiers: ClinVar variation 1789212 (VCV001789212.7), dbSNP rs2109795546, ClinGen allele CA356910955.